The following is an entry in ClinVar:

NM_003793.4(CTSF):c.1399_1401delinsTGC (p.Arg467Cys)

Gene: CTSF (cathepsin F; minus strand). Cytogenetic location: 11q13.2.
Variant type: Indel.
Coding change: c.1399_1401delinsTGC on transcript NM_003793.4 (MANE Select); coding-DNA positions 1399 to 1401, CGT replaced by TGC.
Protein change: p.Arg467Cys; replaces arginine 467 with cysteine.
Molecular consequence: missense variant.
Genome position (GRCh38, 1-based): chr11:66,563,987-66,563,989, ACG replaced by GCA on the plus strand (CGT replaced by TGC on the coding strand, the reverse complement: CTSF is on the minus strand). VCF-style: chr11-66563987-ACG-GCA. GRCh37 (hg19) VCF-style: chr11-66331458-ACG-GCA.
Other names: short protein forms R467C.
Identifiers: ClinVar variation 1771688 (VCV001771688.2), dbSNP rs2495269633, ClinGen allele CA2580084545.

ClinVar aggregate classification (germline): Uncertain significance (1 of 4 stars; one submission).

Conditions:
Inborn genetic diseases. Identifiers: MedGen C0950123, MeSH D030342.

Submission:

Ambry Genetics
Classification: Uncertain significance for Inborn genetic diseases. Last evaluated: 2019-04-26. Review status: criteria provided, single submitter. Criteria: Ambry Variant Classification Scheme 2023. Collection method: clinical testing. Allele origin: germline.
Comment: The c.1399_1401delCGTinsTGC variant, located in coding exon 13 of the CTSF gene, results from an in-frame deletion of CGT and insertion of TGC at nucleotide positions 1399 to 1401. This results in the substitution of the arginine residue for a cysteine residue at codon 467, an amino acid with highly dissimilar properties. This amino acid position is highly conserved in available vertebrate species; however, cysteine is the reference amino acid in other vertebrate species. Since supporting evidence is limited at this time, the clinical significance of this alteration remains unclear.